The following is an entry in ClinVar:

NM_004370.6(COL12A1):c.250C>G (p.Leu84Val)

Gene: COL12A1 (collagen type XII alpha 1 chain; minus strand). Cytogenetic location: 6q13.
Variant type: single nucleotide variant.
Coding change: c.250C>G on transcript NM_004370.6 (MANE Select); coding-DNA position 250, C replaced by G.
Protein change: p.Leu84Val; replaces leucine 84 with valine.
Molecular consequence: missense variant. On other transcripts: intron variant (1).
Genome position (GRCh38, 1-based): chr6:75,192,296, G>C on the plus strand (C>G on the coding strand, the complement: COL12A1 is on the minus strand). VCF-style: chr6-75192296-G-C. GRCh37 (hg19) VCF-style: chr6-75902012-G-C.
Other names: c.73+10424C>G (NM_080645.3); short protein forms L84V.
Identifiers: ClinVar variation 948984 (VCV000948984.11), dbSNP rs770970810, ClinGen allele CA3894479.

ClinVar aggregate classification (germline): Conflicting classifications of pathogenicity. Review status: criteria provided, conflicting classifications (1 of 4 stars). 3 submissions from 3 submitters: Uncertain significance (2); Likely benign (1). Last evaluated 2026-03-24.

Conditions:
Ullrich congenital muscular dystrophy 2 (UCMD2). Identifiers: Orphanet 75840, MedGen C4225314, MONDO:0014654, OMIM 616470.
Bethlem myopathy 2 (BTHLM2). Identifiers: Orphanet 536516, Orphanet 610, MedGen C4225313, MONDO:0034022, OMIM 616471.

Allele frequency attached by ClinVar (database versions not stated): gnomAD 0.00001; ExAC 0.00002; gnomAD exomes 0.00002; TOPMed 0.00002.

Submissions (3):

Women's Health and Genetics/Laboratory Corporation of America, LabCorp
Classification: Uncertain significance. Last evaluated: 2026-03-24. Review status: criteria provided, single submitter. Criteria: LabCorp Variant Classification Summary - May 2015. Collection method: clinical testing. Allele origin: germline.
Comment: Variant summary: COL12A1 c.250C>G (p.Leu84Val) results in a conservative amino acid change in the encoded protein sequence. Algorithms developed to predict the effect of missense changes on protein structure and function are either unavailable or do not agree on the potential impact of this missense change. The variant allele was found at a frequency of 1.6e-05 in 248658 control chromosomes. The available data on variant occurrences in the general population are insufficient to allow any conclusion about variant significance. To our knowledge, no occurrence of c.250C>G in individuals affected with COL12A1-related conditions and no experimental evidence demonstrating its impact on protein function have been reported. ClinVar contains an entry for this variant (Variation ID: 948984). Based on the evidence outlined above, the variant was classified as uncertain significance.

Labcorp Genetics (formerly Invitae), Labcorp
Classification: Likely benign for Bethlem myopathy 2; Ullrich congenital muscular dystrophy 2. Last evaluated: 2025-06-11. Review status: criteria provided, single submitter. Criteria: Invitae Variant Classification Sherloc (09022015). Collection method: clinical testing. Allele origin: germline.

Revvity Omics, Revvity
Classification: Uncertain significance. Last evaluated: 2019-11-06. Review status: criteria provided, single submitter. Criteria: ACMG Guidelines, 2015. Collection method: clinical testing. Allele origin: germline.